The following is an entry in ClinVar:

NM_001267550.2(TTN):c.44366A>G (p.Tyr14789Cys)

Gene: TTN (titin; minus strand). Cytogenetic location: 2q31.2.
Variant type: single nucleotide variant.
Coding change: c.44366A>G on transcript NM_001267550.2 (MANE Select); coding-DNA position 44366, A replaced by G.
Protein change: p.Tyr14789Cys; replaces tyrosine 14789 with cysteine.
Molecular consequence: missense variant.
Genome position (GRCh38, 1-based): chr2:178,629,359, T>C on the plus strand (A>G on the coding strand, the complement: TTN is on the minus strand). VCF-style: chr2-178629359-T-C. GRCh37 (hg19) VCF-style: chr2-179494086-T-C.
Other names: c.39443A>G, p.Tyr13148Cys (NM_001256850.1); c.36662A>G, p.Tyr12221Cys (NM_133378.4); c.17171A>G, p.Tyr5724Cys (NM_003319.4); c.17546A>G, p.Tyr5849Cys (NM_133432.3); c.17747A>G, p.Tyr5916Cys (NM_133437.4); short protein forms Y14789C, Y12221C, Y13148C, Y5849C, Y5724C, Y5916C.
Identifiers: ClinVar variation 46977 (VCV000046977.20), dbSNP rs397517577, ClinGen allele CA139682.

ClinVar aggregate classification (germline): Conflicting classifications of pathogenicity. Review status: criteria provided, conflicting classifications (1 of 4 stars). 9 submissions from 9 submitters: Uncertain significance (8); Likely benign (1). Last evaluated 2026-08-07.

Conditions:
TTN-related disorder. Also called: TTN-related condition; TTN-related disease; TTN-related disorders.
Cardiovascular phenotype. Identifiers: MedGen CN230736.
Autosomal recessive limb-girdle muscular dystrophy type 2J (LGMDR10). Also called: Limb-girdle muscular dystrophy, type 2J; MUSCULAR DYSTROPHY, LIMB-GIRDLE, AUTOSOMAL RECESSIVE 10. Identifiers: Orphanet 140922, MedGen C1837342, MONDO:0012127, OMIM 608807.
Dilated cardiomyopathy 1G (CMD1G). Identifiers: Orphanet 154, MedGen C1858763, MONDO:0011400, OMIM 604145.
Myopathy, myofibrillar, 9, with early respiratory failure (MFM9). Also called: Hereditary myopathy with early respiratory failure; EDSTROM MYOPATHY; MYOPATHY, PROXIMAL, WITH EARLY RESPIRATORY MUSCLE INVOLVEMENT; Myopathy, distal, with early respiratory failure, autosomal dominant. Identifiers: Orphanet 178464, Orphanet 34521, MedGen C1863599, MONDO:0011362, OMIM 603689.
Early-onset myopathy with fatal cardiomyopathy (CMYO5). Also called: Salih Myopathy; CONGENITAL MYOPATHY 5 WITH CARDIOMYOPATHY. Identifiers: Orphanet 289377, MedGen C2673677, MONDO:0012714, OMIM 611705. Disease mechanism: loss of function.
Hypertrophic cardiomyopathy 9. Also called: Familial hypertrophic cardiomyopathy 9. Identifiers: MedGen C1861065, MONDO:0013412, OMIM 613765.
Tibial muscular dystrophy (TMD). Also called: Tibial muscular dystrophy, tardive; UDD MYOPATHY; Udd Distal Myopathy – Tibial Muscular Dystrophy. Identifiers: Orphanet 609, MedGen C1838244, MONDO:0010870, OMIM 600334.
Cardiomyopathy (CMYO). Also called: Cardiomyopathies. Identifiers: Orphanet 167848, MedGen C0878544, MONDO:0004994, HP:0001638. Inheritance: Various modes of inheritance.

Allele frequency attached by ClinVar (database versions not stated): gnomAD exomes 0.00003 and 0.00002; TOPMed 0.00002; ExAC 0.00003; gnomAD 0.00003.
gnomAD v4.1: 56 of 1,612,864 alleles (0.0035%); highest among the groups gnomAD compares: South Asian, 0.016%; no homozygotes.

Submissions (9):

PreventionGenetics, part of Exact Sciences
Classification: Uncertain significance for TTN-related condition. Last evaluated: 2026-08-07. Review status: criteria provided, single submitter. Criteria: ACMG Guidelines, 2015. Collection method: clinical testing. Allele origin: germline.
Comment: The TTN c.44366A>G variant is predicted to result in the amino acid substitution p.Tyr14789Cys. To our knowledge, this variant has not been reported in the literature. This variant is reported in 0.013% of alleles in individuals of South Asian descent in gnomAD. At this time, the clinical significance of this variant is uncertain due to the absence of conclusive functional and genetic evidence.

Blueprint Genetics
Classification: Likely benign. Last evaluated: 2024-11-01. Review status: criteria provided, single submitter. Criteria: ACMG Guidelines, 2015. Collection method: clinical testing. Allele origin: germline.

Revvity Omics, Revvity
Classification: Uncertain significance. Last evaluated: 2023-12-29. Review status: criteria provided, single submitter. Criteria: ACMG Guidelines, 2015. Collection method: clinical testing. Allele origin: germline.

Fulgent Genetics
Classification: Uncertain significance for Tibial muscular dystrophy; Myopathy, myofibrillar, 9, with early respiratory failure; Dilated cardiomyopathy 1G; Autosomal recessive limb-girdle muscular dystrophy type 2J; Early-onset myopathy with fatal cardiomyopathy; Hypertrophic cardiomyopathy 9. Last evaluated: 2021-08-31. Review status: criteria provided, single submitter. Criteria: ACMG Guidelines, 2015. Collection method: clinical testing. Allele origin: unknown.

Ambry Genetics
Classification: Uncertain significance for Cardiovascular phenotype. Last evaluated: 2020-01-17. Review status: criteria provided, single submitter. Criteria: Ambry Variant Classification Scheme 2023. Collection method: clinical testing. Allele origin: germline.
Comment: The p.Y5724C variant (also known as c.17171A>G), located in coding exon 67 of the TTN gene, results from an A to G substitution at nucleotide position 17171. The tyrosine at codon 5724 is replaced by cysteine, an amino acid with highly dissimilar properties. This amino acid position is well conserved in available vertebrate species. In addition, the in silico prediction for this alteration is inconclusive. Since supporting evidence is limited at this time, the clinical significance of this alteration remains unclear.

Labcorp Genetics (formerly Invitae), Labcorp
Classification: Uncertain significance for Dilated cardiomyopathy 1G; Autosomal recessive limb-girdle muscular dystrophy type 2J. Last evaluated: 2017-12-07. Review status: criteria provided, single submitter. Criteria: Invitae Variant Classification Sherloc (09022015). Collection method: clinical testing. Allele origin: germline.

Eurofins Ntd Llc (ga)
Classification: Uncertain significance. Last evaluated: 2017-08-23. Review status: criteria provided, single submitter. Criteria: EGL Classification Definitions 2015. Collection method: clinical testing. Allele origin: germline. Observed: 2 variant alleles, 2 heterozygotes.

CHEO Genetics Diagnostic Laboratory, Children's Hospital of Eastern Ontario
Classification: Uncertain significance for Cardiomyopathy. Last evaluated: 2015-09-03. Review status: criteria provided, single submitter. Criteria: ACMG Guidelines, 2015. Collection method: clinical testing. Allele origin: germline. Study: Canadian Open Genetics Repository.

Laboratory for Molecular Medicine, Mass General Brigham Personalized Medicine
Classification: Uncertain significance. Last evaluated: 2013-03-06. Review status: criteria provided, single submitter. Criteria: LMM Criteria. Collection method: clinical testing. Allele origin: germline. Observed: 1 variant allele.
Comment: The Tyr12221Cys variant in TTN has not been reported in the literature nor previ ously identified by our laboratory. This variant has also not been identified in large and broad European American and African American populations by the NHLBI Exome Sequencing Project, though it may be c ommon in other populations. Computational analyses (biochemical amino acid prope rties, conservation, AlignGVGD, PolyPhen2, and SIFT) suggest that this variant m ay impact the protein, though this information is not predictive enough to deter mine pathogenicity. Additional information is needed to fully assess its clinica l significance.